The following is an entry in ClinVar:

ClinVar aggregate classification (germline): Benign/Likely benign. Review status: criteria provided, multiple submitters, no conflicts (2 of 4 stars). 5 submissions from 5 submitters: Benign (4); Likely benign (1). Last evaluated 2021-10-08.

Conditions:
Dopa-responsive dystonia due to sepiapterin reductase deficiency. Also called: SPR DEFICIENCY; Sepiapterin reductase deficiency; DYT-SPR. Identifiers: Orphanet 70594, MedGen C0268468, MONDO:0012994, OMIM 612716.

Allele frequency attached by ClinVar (database versions not stated): gnomAD exomes 0.00170; ExAC 0.00687; ESP Exome Variant Server 0.01184; gnomAD 0.01537 and 0.01663; TOPMed 0.01702; 1000 Genomes Project 0.01797; 1000 Genomes Project 30x 0.01889.

Submissions (5):

Fulgent Genetics
Classification: Likely benign for Dopa-responsive dystonia due to sepiapterin reductase deficiency. Last evaluated: 2021-10-08. Review status: criteria provided, single submitter. Criteria: ACMG Guidelines, 2015. Collection method: clinical testing. Allele origin: unknown.

Mayo Clinic Laboratories, Mayo Clinic
Classification: Benign. Last evaluated: 2019-06-12. Review status: criteria provided, single submitter. Criteria: ACMG Guidelines, 2015. Collection method: clinical testing. Allele origin: germline. Observed: 9 variant alleles.

GeneDx
Classification: Benign. Last evaluated: 2019-05-20. Review status: criteria provided, single submitter. Criteria: GeneDx Variant Classification Process June 2021. Collection method: clinical testing. Allele origin: germline. Affected: yes.

Illumina Laboratory Services, Illumina
Classification: Benign for Dopa-responsive dystonia due to sepiapterin reductase deficiency. Last evaluated: 2018-01-13. Review status: criteria provided, single submitter. Criteria: ICSL Variant Classification Criteria 13 December 2019. Collection method: clinical testing. Allele origin: germline.
Comment: This variant was observed in the ICSL laboratory as part of a predisposition screen in an ostensibly healthy population. It had not been previously curated by ICSL or reported in the Human Gene Mutation Database (HGMD: prior to June 1st, 2018), and was therefore a candidate for classification through an automated scoring system. Utilizing variant allele frequency, disease prevalence and penetrance estimates, and inheritance mode, an automated score was calculated to assess if this variant is too frequent to cause the disease. Based on the score and internal cut-off values, a variant classified as benign is not then subjected to further curation. The score for this variant resulted in a classification of benign for this disease.

Breakthrough Genomics
Classification: Benign. Review status: criteria provided, single submitter. Criteria: ACMG Guidelines, 2015. Collection method: not provided. Allele origin: germline. Inheritance: Autosomal recessive inheritance. Affected: yes.

NM_003124.5(SPR):c.-7C>G

Genes: SPR (sepiapterin reductase; plus strand), LOC129934069 (ATAC-STARR-seq lymphoblastoid silent region 11626; plus strand). Cytogenetic location: 2p13.2.
Variant type: single nucleotide variant.
Coding change: c.-7C>G on transcript NM_003124.5 (MANE Select); 7 bases upstream of the start codon, C replaced by G.
Molecular consequence: 5 prime UTR variant.
Genome position (GRCh38, 1-based): chr2:72,887,426, C>G. VCF-style: chr2-72887426-C-G. GRCh37 (hg19) VCF-style: chr2-73114555-C-G.
Identifiers: ClinVar variation 336987 (VCV000336987.9), dbSNP rs184034436, ClinGen allele CA1708886.